The following is an entry in ClinVar:

ClinVar aggregate classification (germline): Benign. Review status: criteria provided, multiple submitters, no conflicts (2 of 4 stars). 4 submissions from 4 submitters: Benign (4). Last evaluated 2026-02-01.

Conditions:
Anterior segment dysgenesis 7 (ASGD7). Also called: Anterior segment dysgenesis 7, with sclerocornea; SCLEROCORNEA WITH OTHER OCULAR ANOMALIES. Identifiers: Orphanet 289499, MedGen C3151617, MONDO:0010015, OMIM 269400.

Allele frequency attached by ClinVar (database versions not stated): gnomAD exomes 0.00470 and 0.01201; ExAC 0.01431; gnomAD 0.04427 and 0.04731; ESP Exome Variant Server 0.04802; TOPMed 0.04974; 1000 Genomes Project 0.05571; 1000 Genomes Project 30x 0.05840.
gnomAD v4.1: 13,946 of 1,612,636 alleles (0.86%); highest among the groups gnomAD compares: African/African-American, 15%; 905 homozygotes.

Submissions (4):

Labcorp Genetics (formerly Invitae), Labcorp
Classification: Benign for Anterior segment dysgenesis 7. Last evaluated: 2026-02-01. Review status: criteria provided, single submitter. Criteria: Invitae Variant Classification Sherloc (09022015). Collection method: clinical testing. Allele origin: germline.

GeneDx
Classification: Benign. Last evaluated: 2018-05-31. Review status: criteria provided, single submitter. Criteria: GeneDx Variant Classification (06012015). Collection method: clinical testing. Allele origin: germline. Affected: yes.
Comment: This variant is considered likely benign or benign based on one or more of the following criteria: it is a conservative change, it occurs at a poorly conserved position in the protein, it is predicted to be benign by multiple in silico algorithms, and/or has population frequency not consistent with disease.

Breakthrough Genomics
Classification: Benign. Review status: criteria provided, single submitter. Criteria: ACMG Guidelines, 2015. Collection method: not provided. Allele origin: germline. Inheritance: Autosomal recessive inheritance. Affected: yes.

PreventionGenetics, part of Exact Sciences
Classification: Benign. Review status: criteria provided, single submitter. Criteria: ACMG Guidelines, 2015. Collection method: clinical testing. Allele origin: germline.

NM_012293.3(PXDN):c.2661C>T (p.Ser887=)

Gene: PXDN (peroxidasin; minus strand). Cytogenetic location: 2p25.3.
Variant type: single nucleotide variant.
Coding change: c.2661C>T on transcript NM_012293.3 (MANE Select); coding-DNA position 2661, C replaced by T.
Protein change: p.Ser887=; no amino-acid change (serine 887 retained).
Molecular consequence: synonymous variant.
Genome position (GRCh38, 1-based): chr2:1,649,119, G>A on the plus strand (C>T on the coding strand, the complement: PXDN is on the minus strand). VCF-style: chr2-1649119-G-A. GRCh37 (hg19) VCF-style: chr2-1652891-G-A.
Identifiers: ClinVar variation 260222 (VCV000260222.13), dbSNP rs1863134, ClinGen allele CA1512924.